The following is an entry in ClinVar:

ClinVar aggregate classification (germline): Conflicting classifications of pathogenicity. Review status: criteria provided, conflicting classifications (1 of 4 stars). 6 submissions from 6 submitters: Uncertain significance (2); Likely benign (4). Last evaluated 2026-01-17.

Conditions:
Inborn genetic diseases. Identifiers: MedGen C0950123, MeSH D030342.
Treacher Collins syndrome 1 (TCS1). Also called: TCOF1-Related Treacher Collins Syndrome. Identifiers: Orphanet 861, MedGen CN315775, MONDO:0007944, OMIM 154500.

Allele frequency attached by ClinVar (database versions not stated): gnomAD exomes 0.00006; 1000 Genomes Project 0.00040; 1000 Genomes Project 30x 0.00047; gnomAD 0.00065 and 0.00069; TOPMed 0.00072; ESP Exome Variant Server 0.00077.
gnomAD v4.1: 191 of 1,614,038 alleles (0.012%); highest among the groups gnomAD compares: African/African-American, 0.23%; no homozygotes.

Submissions (6):

Labcorp Genetics (formerly Invitae), Labcorp
Classification: Likely benign for Treacher Collins syndrome 1. Last evaluated: 2026-01-17. Review status: criteria provided, single submitter. Criteria: Invitae Variant Classification Sherloc (09022015). Collection method: clinical testing. Allele origin: germline.

Mayo Clinic Laboratories, Mayo Clinic
Classification: Likely benign. Last evaluated: 2025-03-21. Review status: criteria provided, single submitter. Criteria: ACMG Guidelines, 2015. Collection method: clinical testing. Allele origin: germline. Observed: 1 variant allele.
Comment: BS1, BP4

Blueprint Genetics
Classification: Likely benign. Last evaluated: 2024-09-19. Review status: criteria provided, single submitter. Criteria: ACMG Guidelines, 2015. Collection method: clinical testing. Allele origin: germline.

Ambry Genetics
Classification: Uncertain significance for Inborn genetic diseases. Last evaluated: 2024-01-29. Review status: criteria provided, single submitter. Criteria: Ambry Variant Classification Scheme 2023. Collection method: clinical testing. Allele origin: germline.

GeneDx
Classification: Likely benign. Last evaluated: 2020-04-13. Review status: criteria provided, single submitter. Criteria: GeneDx Variant Classification Process June 2021. Collection method: clinical testing. Allele origin: germline. Affected: yes.

Eurofins Ntd Llc (ga)
Classification: Uncertain significance. Last evaluated: 2017-11-15. Review status: criteria provided, single submitter. Criteria: EGL Classification Definitions 2015. Collection method: clinical testing. Allele origin: germline. Observed: 1 variant allele, 1 heterozygote.

NM_001371623.1(TCOF1):c.3620A>G (p.Tyr1207Cys)

Gene: TCOF1 (treacle ribosome biogenesis factor 1; plus strand). Cytogenetic location: 5q32.
Variant type: single nucleotide variant.
Coding change: c.3620A>G on transcript NM_001371623.1 (MANE Select); coding-DNA position 3620, A replaced by G.
Protein change: p.Tyr1207Cys; replaces tyrosine 1207 with cysteine.
Molecular consequence: missense variant.
Genome position (GRCh38, 1-based): chr5:150,393,388, A>G. VCF-style: chr5-150393388-A-G. GRCh37 (hg19) VCF-style: chr5-149772951-A-G.
Other names: p.Tyr1206Cys; c.3386A>G, p.Tyr1129Cys (NM_000356.4); c.3617A>G, p.Tyr1206Cys (NM_001135243.2); c.3506A>G, p.Tyr1169Cys (NM_001135244.2); c.3389A>G, p.Tyr1130Cys (NM_001135245.2); c.3503A>G, p.Tyr1168Cys (NM_001195141.2); short protein forms Y1206C, Y1129C, Y1169C, Y1130C, Y1168C, Y1207C.
Identifiers: ClinVar variation 352229 (VCV000352229.20), dbSNP rs146226591, ClinGen allele CA3511564.